The following is an entry in ClinVar:

ClinVar aggregate classification (germline): Uncertain significance (1 of 4 stars; one submission).

Conditions:
RYR1-related disorder. Also called: RYR1-related condition; RYR1-related disorders. Identifiers: MedGen CN239331.

Submission:

Labcorp Genetics (formerly Invitae), Labcorp
Classification: Uncertain significance for RYR1-related disorder. Last evaluated: 2023-12-21. Review status: criteria provided, single submitter. Criteria: Invitae Variant Classification Sherloc (09022015). Collection method: clinical testing. Allele origin: germline.
Comment: This sequence change replaces arginine, which is basic and polar, with histidine, which is basic and polar, at codon 2403 of the RYR1 protein (p.Arg2403His). The frequency data for this variant in the population databases is considered unreliable, as metrics indicate poor data quality at this position in the gnomAD database. This missense change has been observed in individual(s) with clinical features of RYR1-related conditions (Invitae). An algorithm developed to predict the effect of missense changes on protein structure and function (PolyPhen-2) suggests that this variant is likely to be tolerated. In summary, the available evidence is currently insufficient to determine the role of this variant in disease. Therefore, it has been classified as a Variant of Uncertain Significance.

NM_000540.3(RYR1):c.7208_7209delinsAT (p.Arg2403His)

Gene: RYR1 (ryanodine receptor 1; plus strand). Cytogenetic location: 19q13.2.
Variant type: Indel.
Coding change: c.7208_7209delinsAT on transcript NM_000540.3 (MANE Select); coding-DNA positions 7208 to 7209, GC replaced by AT.
Protein change: p.Arg2403His; replaces arginine 2403 with histidine.
Molecular consequence: missense variant.
Genome position (GRCh38, 1-based): chr19:38,499,815-38,499,816, GC replaced by AT. VCF-style: chr19-38499815-GC-AT. GRCh37 (hg19) VCF-style: chr19-38990455-GC-AT.
Other names: c.7208_7209delinsAT, p.Arg2403His (NM_001042723.2); short protein forms R2403H.
Identifiers: ClinVar variation 2722910 (VCV002722910.3), dbSNP rs2514314302, ClinGen allele CA2697556575.